The following is an entry in ClinVar:

NM_000069.3(CACNA1S):c.3220A>C (p.Thr1074Pro)

Gene: CACNA1S (calcium voltage-gated channel subunit alpha1 S; minus strand). Cytogenetic location: 1q32.1.
Variant type: single nucleotide variant.
Coding change: c.3220A>C on transcript NM_000069.3 (MANE Select); coding-DNA position 3220, A replaced by C.
Protein change: p.Thr1074Pro; replaces threonine 1074 with proline.
Molecular consequence: missense variant.
Genome position (GRCh38, 1-based): chr1:201,061,302, T>G on the plus strand (A>C on the coding strand, the complement: CACNA1S is on the minus strand). VCF-style: chr1-201061302-T-G. GRCh37 (hg19) VCF-style: chr1-201030430-T-G.
Other names: short protein forms T1074P.
Identifiers: ClinVar variation 3070913 (VCV003070913.1), dbSNP rs980056089, ClinGen allele CA344161730.

ClinVar aggregate classification (germline): Uncertain significance (1 of 4 stars; one submission).

Conditions:
Malignant hyperthermia, susceptibility to, 5 (MHS5). Also called: CACNA1S-Related Malignant Hyperthermia Susceptibility. Identifiers: Orphanet 423, MedGen C1866077, MONDO:0011163, OMIM 601887.

gnomAD v4.1: 1 of 1,614,094 alleles (0.000062%); highest among the groups gnomAD compares: Non-Finnish European, 0.000085%; no homozygotes.

Submission:

All of Us Research Program, National Institutes of Health
Classification: Uncertain significance for Malignant hyperthermia, susceptibility to, 5. Last evaluated: 2023-05-04. Review status: criteria provided, single submitter. Criteria: ACMG Guidelines, 2015. Collection method: clinical testing. Allele origin: germline. Inheritance: Autosomal dominant inheritance. Observed: 1 variant allele, 1 heterozygote.
Comment: This missense variant replaces threonine with proline at codon 1074 of the CACNA1S protein. Computational prediction is inconclusive regarding the impact of this variant on protein structure and function (internally defined REVEL score threshold 0.5 < inconclusive < 0.7, PMID: 27666373). To our knowledge, functional studies have not been reported for this variant. This variant has not been reported in individuals affected with CACNA1S-related disorders in the literature. This variant has not been identified in the general population by the Genome Aggregation Database (gnomAD). The available evidence is insufficient to determine the role of this variant in disease conclusively. Therefore, this variant is classified as a Variant of Uncertain Significance.

This study involves interpretation of variants in research participants for the purpose of population health screening. Participant phenotype was not available at the time of variant classification. Additional details can be found in publication PMID: 35346344, PMCID: PMC8962531